The following is an entry in ClinVar:

NM_016239.4(MYO15A):c.7967-2A>T

Gene: MYO15A (myosin XVA; plus strand). Cytogenetic location: 17p11.2.
Variant type: single nucleotide variant.
Coding change: c.7967-2A>T on transcript NM_016239.4 (MANE Select); the canonical splice acceptor site of the intron before coding-DNA position 7967, A replaced by T.
Molecular consequence: splice acceptor variant.
Genome position (GRCh38, 1-based): chr17:18,153,773, A>T. VCF-style: chr17-18153773-A-T. GRCh37 (hg19) VCF-style: chr17-18057087-A-T.
Identifiers: ClinVar variation 1452308 (VCV001452308.7), dbSNP rs2142376390, ClinGen allele CA398622530.

ClinVar aggregate classification (germline): Pathogenic (1 of 4 stars; one submission).

Allele frequency attached by ClinVar (database versions not stated): gnomAD exomes below 0.00001.
gnomAD v4.1: 1 of 1,613,536 alleles (0.000062%); highest among the groups gnomAD compares: Non-Finnish European, 0.000085%; no homozygotes.

Submissions (2):

Labcorp Genetics (formerly Invitae), Labcorp
Classification: Pathogenic. Last evaluated: 2023-10-09. Review status: criteria provided, single submitter. Criteria: Invitae Variant Classification Sherloc (09022015). Collection method: clinical testing. Allele origin: germline.
Comment: This sequence change affects an acceptor splice site in intron 42 of the MYO15A gene. It is expected to disrupt RNA splicing. Variants that disrupt the donor or acceptor splice site typically lead to a loss of protein function (PMID: 16199547), and loss-of-function variants in MYO15A are known to be pathogenic (PMID: 17546645). This variant is not present in population databases (gnomAD no frequency). Disruption of this splice site has been observed in individual(s) with deafness (Invitae). In at least one individual the data is consistent with being in trans (on the opposite chromosome) from a pathogenic variant. ClinVar contains an entry for this variant (Variation ID: 1452308). Algorithms developed to predict the effect of sequence changes on RNA splicing suggest that this variant may disrupt the consensus splice site. For these reasons, this variant has been classified as Pathogenic.

Dr. Peter K. Rogan Lab, Western University
No classification provided (evidence only). Condition: Papillary renal cell carcinoma type 1. Review status: no classification provided. Collection method: in vitro. Allele origin: not applicable. Functional consequence: retained intron. Not counted in ClinVar's aggregate classification.

Literature cited by the submitters: PubMed 16199547 (cited by Labcorp Genetics (formerly Invitae), Labcorp); PubMed 17546645 (cited by Labcorp Genetics (formerly Invitae), Labcorp).